The following is an entry in ClinVar:

NM_181486.4(TBX5):c.1042A>G (p.Ser348Gly)

Gene: TBX5 (T-box transcription factor 5; minus strand). Cytogenetic location: 12q24.21.
Variant type: single nucleotide variant.
Coding change: c.1042A>G on transcript NM_181486.4 (MANE Select); coding-DNA position 1042, A replaced by G.
Protein change: p.Ser348Gly; replaces serine 348 with glycine.
Molecular consequence: missense variant.
Genome position (GRCh38, 1-based): chr12:114,356,047, T>C on the plus strand (A>G on the coding strand, the complement: TBX5 is on the minus strand). VCF-style: chr12-114356047-T-C. GRCh37 (hg19) VCF-style: chr12-114793852-T-C.
Other names: c.1042A>G, p.Ser348Gly (NM_000192.3); c.892A>G, p.Ser298Gly (NM_080717.4); short protein forms S298G, S348G.
Identifiers: ClinVar variation 4799369 (VCV004799369.1).
Genomic context (GRCh38, chr12:114,356,047, plus strand): 5'-AGGAGGCACCCAGGCCCTGCTGCTGTGGATAGCTAGAGCGGTAGAAGGAATCTTCTTCAC[T>C]GGGTGATGTCTCCATGTAGGGCTTCTTATAGGGATGGTCTGTGGTGGAACATTCTTCCTC-3'
Protein context (NP_852259.1, residues 338-358): YKKPYMETSP[Ser348Gly]EEDSFYRSSY

ClinVar aggregate classification (germline): Uncertain significance (1 of 4 stars; one submission).

Conditions:
Aortic valve disease 2 (AOVD2). Identifiers: MedGen C3542024, MONDO:0013902, OMIM 614823.

Submission:

Labcorp Genetics (formerly Invitae), Labcorp
Classification: Uncertain significance for Aortic valve disease 2. Last evaluated: 2025-03-10. Review status: criteria provided, single submitter. Criteria: Invitae Variant Classification Sherloc (09022015). Collection method: clinical testing. Allele origin: germline.
Comment: This sequence change replaces serine, which is neutral and polar, with glycine, which is neutral and non-polar, at codon 348 of the TBX5 protein (p.Ser348Gly). This variant is not present in population databases (gnomAD no frequency). This variant has not been reported in the literature in individuals affected with TBX5-related conditions. Invitae Evidence Modeling of protein sequence and biophysical properties (such as structural, functional, and spatial information, amino acid conservation, physicochemical variation, residue mobility, and thermodynamic stability) indicates that this missense variant is not expected to disrupt TBX5 protein function with a negative predictive value of 80%. In summary, the available evidence is currently insufficient to determine the role of this variant in disease. Therefore, it has been classified as a Variant of Uncertain Significance.